The following is an entry in ClinVar:

ClinVar aggregate classification (germline): Benign. Review status: criteria provided, multiple submitters, no conflicts (2 of 4 stars). 8 submissions from 8 submitters: Benign (6). 2 of the submissions do not count toward it. Last evaluated 2026-02-02.

Conditions:
SYNE2-related disorder. Also called: SYNE2-related condition.
Emery-Dreifuss muscular dystrophy 5, autosomal dominant (EDMD5). Also called: EMERY-DREIFUSS MUSCULAR DYSTROPHY 5. Identifiers: Orphanet 261, MedGen C2751805, MONDO:0013072, OMIM 612999.

Allele frequency attached by ClinVar (database versions not stated): gnomAD exomes 0.01681; ExAC 0.01711; TOPMed 0.02218; ESP Exome Variant Server 0.02222; gnomAD 0.02257 and 0.02309; 1000 Genomes Project 30x 0.02389; 1000 Genomes Project 0.02436.
gnomAD v4.1: 27,694 of 1,613,922 alleles (1.7%); highest among the groups gnomAD compares: African/African-American, 3.8%; 278 homozygotes.

Submissions (8):

Labcorp Genetics (formerly Invitae), Labcorp
Classification: Benign for Emery-Dreifuss muscular dystrophy 5, autosomal dominant. Last evaluated: 2026-02-02. Review status: criteria provided, single submitter. Criteria: Invitae Variant Classification Sherloc (09022015). Collection method: clinical testing. Allele origin: germline.

PreventionGenetics, part of Exact Sciences
Classification: Benign for SYNE2-related condition. Last evaluated: 2025-01-02. Review status: criteria provided, single submitter. Criteria: ACMG Guidelines, 2015. Collection method: clinical testing. Allele origin: germline.
Comment: This variant is classified as benign based on ACMG/AMP sequence variant interpretation guidelines (Richards et al. 2015 PMID: 25741868, with internal and published modifications).

Athena Diagnostics
Classification: Benign. Last evaluated: 2024-01-10. Review status: criteria provided, single submitter. Criteria: Athena Diagnostics Criteria. Collection method: clinical testing. Allele origin: unknown.

Illumina Laboratory Services, Illumina
Classification: Benign for Emery-Dreifuss muscular dystrophy 5, autosomal dominant. Last evaluated: 2018-01-13. Review status: criteria provided, single submitter. Criteria: ICSL Variant Classification Criteria 13 December 2019. Collection method: clinical testing. Allele origin: germline.
Comment: This variant was observed in the ICSL laboratory as part of a predisposition screen in an ostensibly healthy population. It had not been previously curated by ICSL or reported in the Human Gene Mutation Database (HGMD: prior to June 1st, 2018), and was therefore a candidate for classification through an automated scoring system. Utilizing variant allele frequency, disease prevalence and penetrance estimates, and inheritance mode, an automated score was calculated to assess if this variant is too frequent to cause the disease. Based on the score and internal cut-off values, a variant classified as benign is not then subjected to further curation. The score for this variant resulted in a classification of benign for this disease.

Genome Diagnostics Laboratory, University Medical Center Utrecht
Classification: Benign for Emery-Dreifuss muscular dystrophy 5, autosomal dominant. Last evaluated: 2014-10-09. Review status: criteria provided, single submitter. Criteria: ACGS Guidelines, 2013. Collection method: clinical testing. Allele origin: germline. Affected: yes. Study: VKGL Data-share Consensus.

Breakthrough Genomics
Classification: Benign. Review status: criteria provided, single submitter. Criteria: ACMG Guidelines, 2015. Collection method: not provided. Allele origin: germline. Inheritance: Autosomal dominant inheritance. Affected: yes.

Clinical Genetics, Academic Medical Center
Classification: Benign. Review status: no assertion criteria provided. Collection method: clinical testing. Allele origin: germline. Affected: yes. Study: VKGL Data-share Consensus. Not counted in ClinVar's aggregate classification.

Genetic Services Laboratory, University of Chicago
Classification: Likely benign for AllHighlyPenetrant. Review status: no assertion criteria provided. Collection method: clinical testing. Allele origin: germline. Inheritance: Autosomal dominant inheritance. Not counted in ClinVar's aggregate classification.
Comment: Likely benign based on allele frequency in 1000 Genomes Project or ESP global frequency and its presence in a patient with a rare or unrelated disease phenotype. NOT Sanger confirmed.

Literature cited by the submitters: PubMed 26257771 (cited by Athena Diagnostics); PubMed 23155419 (cited by Athena Diagnostics).

NM_182914.3(SYNE2):c.12626T>C (p.Ile4209Thr)

Gene: SYNE2 (spectrin repeat containing nuclear envelope protein 2; plus strand). Cytogenetic location: 14q23.2.
Variant type: single nucleotide variant.
Coding change: c.12626T>C on transcript NM_182914.3 (MANE Select); coding-DNA position 12626, T replaced by C.
Protein change: p.Ile4209Thr; replaces isoleucine 4209 with threonine.
Molecular consequence: missense variant.
Genome position (GRCh38, 1-based): chr14:64,113,357, T>C. VCF-style: chr14-64113357-T-C. GRCh37 (hg19) VCF-style: chr14-64580075-T-C.
Other names: c.12626T>C, p.Ile4209Thr (NM_015180.6); short protein forms I4209T.
Identifiers: ClinVar variation 130467 (VCV000130467.25), dbSNP rs61747118, ClinGen allele CA155524.